The following is an entry in ClinVar:

ClinVar aggregate classification (germline): Likely benign (1 of 4 stars; one submission).

Allele frequency attached by ClinVar (database versions not stated): ExAC 0.00003; gnomAD exomes 0.00007; TOPMed 0.00007; gnomAD 0.00009; ESP Exome Variant Server 0.00024.
gnomAD v4.1: 126 of 1,613,692 alleles (0.0078%); highest among the groups gnomAD compares: Middle Eastern, 0.033%; no homozygotes.

Submission:

CeGaT Center for Human Genetics Tuebingen
Classification: Likely benign. Last evaluated: 2022-05-01. Review status: criteria provided, single submitter. Criteria: CeGaT Center For Human Genetics Tuebingen Variant Classification Criteria Version 2. Collection method: clinical testing. Allele origin: germline. Affected: yes. Observed: 1 variant allele.
Comment: AHNAK2: BP4, BP7

NM_138420.4(AHNAK2):c.15132C>T (p.Asp5044=)

Gene: AHNAK2 (AHNAK nucleoprotein 2; minus strand). Cytogenetic location: 14q32.33.
Variant type: single nucleotide variant.
Coding change: c.15132C>T on transcript NM_138420.4 (MANE Select); coding-DNA position 15132, C replaced by T.
Protein change: p.Asp5044=; no amino-acid change (aspartic acid 5044 retained).
Molecular consequence: synonymous variant.
Genome position (GRCh38, 1-based): chr14:104,940,319, G>A on the plus strand (C>T on the coding strand, the complement: AHNAK2 is on the minus strand). VCF-style: chr14-104940319-G-A. GRCh37 (hg19) VCF-style: chr14-105406656-G-A.
Other names: c.14832C>T, p.Asp4944= (NM_001350929.2).
Identifiers: ClinVar variation 2644634 (VCV002644634.24), dbSNP rs370585189, ClinGen allele CA7377520.